The following is an entry in ClinVar:

NM_000051.4(ATM):c.8683G>C (p.Glu2895Gln)

Genes: ATM (ATM serine/threonine kinase; plus strand), C11orf65 (chromosome 11 open reading frame 65; minus strand). Cytogenetic location: 11q22.3.
Variant type: single nucleotide variant.
Coding change: c.8683G>C on transcript NM_000051.4 (MANE Select); coding-DNA position 8683, G replaced by C.
Protein change: p.Glu2895Gln; replaces glutamic acid 2895 with glutamine.
Molecular consequence: missense variant. On other transcripts: intron variant (2).
Genome position (GRCh38, 1-based): chr11:108,353,777, G>C. VCF-style: chr11-108353777-G-C. GRCh37 (hg19) VCF-style: chr11-108224504-G-C.
Other names: c.640+32143C>G (NM_001330368.2); c.695-18485C>G (NM_001351110.2); c.8683G>C, p.Glu2895Gln (NM_001351834.2); short protein forms E2895Q.
Identifiers: ClinVar variation 844407 (VCV000844407.10), dbSNP rs769951912, ClinGen allele CA382523557.

ClinVar aggregate classification (germline): Uncertain significance (1 of 4 stars; one submission).

Conditions:
Ataxia-telangiectasia syndrome (AT). Also called: ATAXIA-TELANGIECTASIA, COMPLEMENTATION GROUP A; ATAXIA-TELANGIECTASIA, FRESNO VARIANT; Ataxia-telangiectasia; Ataxia-telangiectasia, complementation group D; AT, COMPLEMENTATION GROUP C; Ataxia-telangiectasia, complementation group E. Identifiers: Orphanet 100, MedGen C0004135, MONDO:0008840, OMIM 208900.

Submission:

Labcorp Genetics (formerly Invitae), Labcorp
Classification: Uncertain significance for Ataxia-telangiectasia syndrome. Last evaluated: 2023-08-17. Review status: criteria provided, single submitter. Criteria: Invitae Variant Classification Sherloc (09022015). Collection method: clinical testing. Allele origin: germline.
Comment: In summary, the available evidence is currently insufficient to determine the role of this variant in disease. Therefore, it has been classified as a Variant of Uncertain Significance. An algorithm developed to predict the effect of missense changes on protein structure and function (PolyPhen-2) suggests that this variant is likely to be disruptive. This sequence change replaces glutamic acid, which is acidic and polar, with glutamine, which is neutral and polar, at codon 2895 of the ATM protein (p.Glu2895Gln). This variant is not present in population databases (gnomAD no frequency). This variant has not been reported in the literature in individuals affected with ATM-related conditions. ClinVar contains an entry for this variant (Variation ID: 844407).